The following is an entry in ClinVar:

ClinVar aggregate classification (germline): Uncertain significance. Review status: criteria provided, multiple submitters, no conflicts (2 of 4 stars). 10 submissions from 10 submitters: Uncertain significance (9). 1 of the submissions does not count toward it. Last evaluated 2025-12-09.

Conditions:
Classic or attenuated familial adenomatous polyposis. Identifiers: MedGen CN372698, MONDO:0021057.
Hereditary cancer-predisposing syndrome. Also called: Tumor predisposition; Neoplastic Syndromes, Hereditary; Hereditary Cancer Syndrome; Hereditary neoplastic syndrome. Identifiers: Orphanet 140162, MedGen C0027672, MeSH D009386, MONDO:0015356.
Familial adenomatous polyposis 1 (FAP1). Also called: POLYPOSIS, ADENOMATOUS INTESTINAL; FAMILIAL ADENOMATOUS POLYPOSIS 1, ATTENUATED. Identifiers: MedGen C2713442, MONDO:0021056, OMIM 175100. Disease mechanism: loss of function.

Allele frequency attached by ClinVar (database versions not stated): gnomAD exomes below 0.00001 and 0.00002; gnomAD 0.00001; TOPMed 0.00001.
gnomAD v4.1: 38 of 1,613,984 alleles (0.0024%); highest among the groups gnomAD compares: Non-Finnish European, 0.0031%; no homozygotes.

Submissions (10):

Labcorp Genetics (formerly Invitae), Labcorp
Classification: Uncertain significance for Familial adenomatous polyposis 1. Last evaluated: 2025-12-09. Review status: criteria provided, single submitter. Criteria: Invitae Variant Classification Sherloc (09022015). Collection method: clinical testing. Allele origin: germline.
Comment: This sequence change replaces arginine, which is basic and polar, with glycine, which is neutral and non-polar, at codon 2066 of the APC protein (p.Arg2066Gly). This variant is present in population databases (rs786204043, gnomAD 0.002%). This missense change has been observed in individual(s) with colorectal cancer (PMID: 18199528). ClinVar contains an entry for this variant (Variation ID: 188063). Invitae Evidence Modeling of protein sequence and biophysical properties (such as structural, functional, and spatial information, amino acid conservation, physicochemical variation, residue mobility, and thermodynamic stability) indicates that this missense variant is not expected to disrupt APC protein function with a negative predictive value of 95%. In summary, the available evidence is currently insufficient to determine the role of this variant in disease. Therefore, it has been classified as a Variant of Uncertain Significance.

GeneDx
Classification: Uncertain significance. Last evaluated: 2024-11-12. Review status: criteria provided, single submitter. Criteria: GeneDx Variant Classification Process June 2021. Collection method: clinical testing. Allele origin: germline. Affected: yes.
Comment: Not observed at significant frequency in large population cohorts (gnomAD); In silico analysis indicates that this missense variant does not alter protein structure/function; This variant is associated with the following publications: (PMID: 21859464, 28526081, 34326862, 18199528)

Ambry Genetics
Classification: Uncertain significance for Hereditary cancer-predisposing syndrome. Last evaluated: 2024-04-04. Review status: criteria provided, single submitter. Criteria: Ambry Variant Classification Scheme 2023. Collection method: clinical testing. Allele origin: germline.
Comment: The p.R2066G variant (also known as c.6196A>G), located in coding exon 15 of the APC gene, results from an A to G substitution at nucleotide position 6196. This alteration has been reported in a cohort of 691 North American patients with multiple colorectal adenomas (Azzopardi D et al. Cancer Res., 2008 Jan;68:358-63). The arginine at codon 2066 is replaced by glycine, an amino acid with dissimilar properties. This amino acid position is well conserved in available vertebrate species. In addition, in silico predictors for this gene do not accurately predict pathogenicity. Since supporting evidence is limited at this time, the clinical significance of this alteration remains unclear.

Baylor Genetics
Classification: Uncertain significance for Familial adenomatous polyposis 1. Last evaluated: 2023-10-05. Review status: criteria provided, single submitter. Criteria: ACMG Guidelines, 2015. Collection method: clinical testing. Allele origin: unknown.

All of Us Research Program, National Institutes of Health
Classification: Uncertain significance for Classic or attenuated familial adenomatous polyposis. Last evaluated: 2023-04-10. Review status: criteria provided, single submitter. Criteria: ACMG Guidelines, 2015. Collection method: clinical testing. Allele origin: germline. Inheritance: Autosomal dominant inheritance. Observed: 1 variant allele, 1 heterozygote.
Comment: This missense variant replaces arginine with glycine at codon 2066 of the APC protein. Computational prediction is inconclusive regarding the impact of this variant on protein structure and function (internally defined REVEL score threshold 0.5 < inconclusive < 0.7, PMID: 27666373). To our knowledge, functional studies have not been reported for this variant. This variant has been reported in an individual affected with over 100 colorectal adenomas (PMID: 18199528). This variant has been identified in 2/282126 chromosomes in the general population by the Genome Aggregation Database (gnomAD). The available evidence is insufficient to determine the role of this variant in disease conclusively. Therefore, this variant is classified as a Variant of Uncertain Significance.

This study involves interpretation of variants in research participants for the purpose of population health screening. Participant phenotype was not available at the time of variant classification. Additional details can be found in publication PMID: 35346344, PMCID: PMC8962531

Color Diagnostics, LLC DBA Color Health
Classification: Uncertain significance for Hereditary cancer-predisposing syndrome. Last evaluated: 2023-03-17. Review status: criteria provided, single submitter. Criteria: ACMG Guidelines, 2015. Collection method: clinical testing. Allele origin: germline.
Comment: This missense variant replaces arginine with glycine at codon 2066 of the APC protein. Computational prediction is inconclusive regarding the impact of this variant on protein structure and function (internally defined REVEL score threshold 0.5 < inconclusive < 0.7, PMID: 27666373). To our knowledge, functional studies have not been reported for this variant. This variant has been reported in an individual affected with over 100 colorectal adenomas (PMID: 18199528). This variant has been identified in 2/282126 chromosomes in the general population by the Genome Aggregation Database (gnomAD). The available evidence is insufficient to determine the role of this variant in disease conclusively. Therefore, this variant is classified as a Variant of Uncertain Significance.

Myriad Genetics, Inc.
Classification: Uncertain significance for Familial adenomatous polyposis 1. Last evaluated: 2023-02-15. Review status: criteria provided, single submitter. Criteria: Myriad Autosomal Dominant, Autosomal Recessive and X-Linked Classification Criteria (2023). Collection method: clinical testing. Allele origin: unknown.
Comment: This variant is classified as a variant of uncertain significance as there is insufficient evidence to determine its impact on protein function and/or cancer risk.

CeGaT Center for Human Genetics Tuebingen
Classification: Uncertain significance. Last evaluated: 2022-02-01. Review status: criteria provided, single submitter. Criteria: CeGaT Center For Human Genetics Tuebingen Variant Classification Criteria Version 2. Collection method: clinical testing. Allele origin: germline. Affected: yes. Observed: 1 variant allele.

Women's Health and Genetics/Laboratory Corporation of America, LabCorp
Classification: Uncertain significance. Last evaluated: 2020-02-24. Review status: criteria provided, single submitter. Criteria: LabCorp Variant Classification Summary - May 2015. Collection method: clinical testing. Allele origin: germline.
Comment: Variant summary: APC c.6196A>G (p.Arg2066Gly) results in a non-conservative amino acid change in the encoded protein sequence. Four of five in-silico tools predict a benign effect of the variant on protein function. The variant allele was found at a frequency of 4e-06 in 250730 control chromosomes (gnomAD). The available data on variant occurrences in the general population are insufficient to allow any conclusion about variant significance. c.6196A>G has been reported in the literature in at least one individual affected with colorectal adenomas (e.g. Azzopardi_2008). These report(s), however do not provide unequivocal conclusions about association of the variant with Familial Adenomatous Polyposis. To our knowledge, no experimental evidence demonstrating an impact on protein function has been reported. Three ClinVar submitters (evaluation after 2014) cite the variant as uncertain significance. Based on the evidence outlined above, the variant was classified as uncertain significance.

Counsyl
Classification: Uncertain significance for Familial adenomatous polyposis 1. Last evaluated: 2017-03-06. Review status: no assertion criteria provided. Collection method: clinical testing. Allele origin: unknown. Not counted in ClinVar's aggregate classification.

Literature cited by the submitters: PubMed 18199528 (cited by 6 submitters); PubMed 21859464 (cited by Women's Health and Genetics/Laboratory Corporation of America, LabCorp); PubMed 28526081 (cited by Women's Health and Genetics/Laboratory Corporation of America, LabCorp).

NM_000038.6(APC):c.6196A>G (p.Arg2066Gly)

Gene: APC (APC regulator of Wnt signaling pathway; plus strand). Cytogenetic location: 5q22.2.
Variant type: single nucleotide variant.
Coding change: c.6196A>G on transcript NM_000038.6 (MANE Select); coding-DNA position 6196, A replaced by G.
Protein change: p.Arg2066Gly; replaces arginine 2066 with glycine.
Molecular consequence: missense variant.
Genome position (GRCh38, 1-based): chr5:112,841,790, A>G. VCF-style: chr5-112841790-A-G. GRCh37 (hg19) VCF-style: chr5-112177487-A-G.
Other names: c.6196A>G, p.Arg2066Gly (NM_001127510.3, NM_001354895.2); c.6142A>G, p.Arg2048Gly (NM_001127511.3); c.6250A>G, p.Arg2084Gly (NM_001354896.2); c.6226A>G, p.Arg2076Gly (NM_001354897.2); c.6121A>G, p.Arg2041Gly (NM_001354898.2); c.6112A>G, p.Arg2038Gly (NM_001354899.2); c.6073A>G, p.Arg2025Gly (NM_001354900.2); c.6019A>G, p.Arg2007Gly (NM_001354901.2); and 5 more; short protein forms R2048G, R2066G, R2007G, R1906G, R2025G, R1940G, R1965G, R2041G.
Identifiers: ClinVar variation 188063 (VCV000188063.59), dbSNP rs786204043, ClinGen allele CA011000.